The following is an entry in ClinVar:

NM_198578.4(LRRK2):c.3257A>G (p.Lys1086Arg)

Gene: LRRK2 (leucine rich repeat kinase 2; plus strand). Cytogenetic location: 12q12.
Variant type: single nucleotide variant.
Coding change: c.3257A>G on transcript NM_198578.4 (MANE Select); coding-DNA position 3257, A replaced by G.
Protein change: p.Lys1086Arg; replaces lysine 1086 with arginine.
Molecular consequence: missense variant.
Genome position (GRCh38, 1-based): chr12:40,298,403, A>G. VCF-style: chr12-40298403-A-G. GRCh37 (hg19) VCF-style: chr12-40692205-A-G.
Other names: short protein forms K1086R.
Identifiers: ClinVar variation 1729475 (VCV001729475.3), dbSNP rs1944463930, ClinGen allele CA384414842.
Genomic context (GRCh38, chr12:40,298,403, plus strand): 5'-CTCGAAATGACATTGGACCCTCAGTGGTTTTAGATCCTACAGTGAAATGTCCAACTCTGA[A>G]ACAGTTTAACCTGTCATATAACCAGCTGTCTTTTGTACCTGAGAACCTCACTGATGTGGT-3'
Protein context (NP_940980.4, residues 1076-1096): LDPTVKCPTL[Lys1086Arg]QFNLSYNQLS

ClinVar aggregate classification (germline): Uncertain significance (1 of 4 stars; one submission).

Conditions:
Inborn genetic diseases. Identifiers: MedGen C0950123, MeSH D030342.

Allele frequency attached by ClinVar (database versions not stated): gnomAD exomes below 0.00001; TOPMed 0.00001.
gnomAD v4.1: 2 of 1,613,940 alleles (0.00012%); highest among the groups gnomAD compares: Non-Finnish European, 0.00017%; no homozygotes.

Submission:

Ambry Genetics
Classification: Uncertain significance for Inborn genetic diseases. Last evaluated: 2024-10-13. Review status: criteria provided, single submitter. Criteria: Ambry Variant Classification Scheme 2023. Collection method: clinical testing. Allele origin: germline.
Comment: The p.K1086R variant (also known as c.3257A>G), located in coding exon 24 of the LRRK2 gene, results from an A to G substitution at nucleotide position 3257. The lysine at codon 1086 is replaced by arginine, an amino acid with highly similar properties. This amino acid position is conserved. In addition, this alteration is predicted to be tolerated by in silico analysis. Since supporting evidence is limited at this time, the clinical significance of this alteration remains unclear.